The following is an entry in ClinVar:

ClinVar aggregate classification (germline): Benign (0 of 4 stars; one submission).

Conditions:
ARFGEF3-related disorder. Also called: ARFGEF3-related condition.

Allele frequency attached by ClinVar (database versions not stated): 1000 Genomes Project 0.02316; TOPMed 0.02597; ExAC 0.01123; gnomAD 0.02199; ESP Exome Variant Server 0.02214; 1000 Genomes Project 30x 0.02311.
gnomAD v4.1: 19,352 of 1,609,038 alleles (1.2%); highest among the groups gnomAD compares: African/African-American, 5.3%; 220 homozygotes.

Submission:

PreventionGenetics, part of Exact Sciences
Classification: Benign for ARFGEF3-related condition. Last evaluated: 2020-01-14. Review status: no assertion criteria provided. Collection method: clinical testing. Allele origin: germline.
Comment: This variant is classified as benign based on ACMG/AMP sequence variant interpretation guidelines (Richards et al. 2015 PMID: 25741868, with internal and published modifications).

NM_020340.5(ARFGEF3):c.3648+7A>C

Gene: ARFGEF3 (ARFGEF family member 3; plus strand). Cytogenetic location: 6q23.3.
Variant type: single nucleotide variant.
Coding change: c.3648+7A>C on transcript NM_020340.5 (MANE Select); 7 bases into the intron after coding-DNA position 3648, A replaced by C.
Molecular consequence: intron variant.
Genome position (GRCh38, 1-based): chr6:138,296,962, A>C. VCF-style: chr6-138296962-A-C. GRCh37 (hg19) VCF-style: chr6-138618099-A-C.
Identifiers: ClinVar variation 3038377 (VCV003038377.2), dbSNP rs6905283, ClinGen allele CA4021142.